The following is an entry in ClinVar:

ClinVar aggregate classification (germline): Pathogenic (1 of 4 stars; one submission).

Submission:

Labcorp Genetics (formerly Invitae), Labcorp
Classification: Pathogenic. Last evaluated: 2019-10-24. Review status: criteria provided, single submitter. Criteria: Invitae Variant Classification Sherloc (09022015). Collection method: clinical testing. Allele origin: germline.
Comment: This variant is an in-frame deletion of the genomic region encompassing exons 5-10 of the USH2A gene. It preserves the integrity of the reading frame. This variant has been observed in individuals affected with Usher syndrome and sensorineural hearing loss (PMID: 24944099, 29655801). Experimental studies and prediction algorithms are not available for this variant, and the functional significance of the affected amino acid(s) is currently unknown. This variant disrupts the p.Thr352 amino acid residue in USH2A. Other variant(s) that disrupt this residue have been observed in affected individuals (PMID: 28653555, 29142287, 17405132, 25575603, 24498627), suggesting that it is a clinically significant residue. As a result, variants that disrupt this residue are likely to be causative of disease. For these reasons, this variant has been classified as Pathogenic.

Literature cited by the submitters: PubMed 17405132; PubMed 29142287; PubMed 29655801; PubMed 24498627; PubMed 24944099; PubMed 25575603; PubMed 28653555.

NC_000001.11:g.(?_216292165)_(216327664_?)del

Gene: USH2A (usherin; minus strand). Cytogenetic location: 1q41.
Variant type: Deletion.
Identifiers: ClinVar variation 659606 (VCV000659606.2).